The following is an entry in ClinVar:

NM_001853.4(COL9A3):c.1997C>T (p.Ala666Val)

Gene: COL9A3 (collagen type IX alpha 3 chain; plus strand). Cytogenetic location: 20q13.33.
Variant type: single nucleotide variant.
Coding change: c.1997C>T on transcript NM_001853.4 (MANE Select); coding-DNA position 1997, C replaced by T.
Protein change: p.Ala666Val; replaces alanine 666 with valine.
Molecular consequence: missense variant.
Genome position (GRCh38, 1-based): chr20:62,840,674, C>T. VCF-style: chr20-62840674-C-T. GRCh37 (hg19) VCF-style: chr20-61472026-C-T.
Other names: short protein forms A666V.
Identifiers: ClinVar variation 1254671 (VCV001254671.7), dbSNP rs758764249, ClinGen allele CA317347728.

ClinVar aggregate classification (germline): Uncertain significance. Review status: criteria provided, multiple submitters, no conflicts (2 of 4 stars). 2 submissions from 2 submitters: Uncertain significance (2). Last evaluated 2025-10-25.

Allele frequency attached by ClinVar (database versions not stated): gnomAD 0.00001; TOPMed 0.00001.
gnomAD v4.1: 14 of 1,605,022 alleles (0.00087%); highest among the groups gnomAD compares: Non-Finnish European, 0.0012%; no homozygotes.

Submissions (2):

Labcorp Genetics (formerly Invitae), Labcorp
Classification: Uncertain significance. Last evaluated: 2025-10-25. Review status: criteria provided, single submitter. Criteria: Invitae Variant Classification Sherloc (09022015). Collection method: clinical testing. Allele origin: germline.
Comment: This sequence change replaces alanine, which is neutral and non-polar, with valine, which is neutral and non-polar, at codon 666 of the COL9A3 protein (p.Ala666Val). This variant is not present in population databases (gnomAD no frequency). This variant has not been reported in the literature in individuals affected with COL9A3-related conditions. ClinVar contains an entry for this variant (Variation ID: 1254671). Invitae Evidence Modeling of protein sequence and biophysical properties (such as structural, functional, and spatial information, amino acid conservation, physicochemical variation, residue mobility, and thermodynamic stability) indicates that this missense variant is not expected to disrupt COL9A3 protein function with a negative predictive value of 95%. In summary, the available evidence is currently insufficient to determine the role of this variant in disease. Therefore, it has been classified as a Variant of Uncertain Significance.

GeneDx
Classification: Uncertain significance. Last evaluated: 2021-07-01. Review status: criteria provided, single submitter. Criteria: GeneDx Variant Classification Process June 2021. Collection method: clinical testing. Allele origin: germline. Affected: yes.
Comment: Has not been previously published as pathogenic or benign to our knowledge; In silico analysis supports that this missense variant has a deleterious effect on protein structure/function; This variant is associated with the following publications: (PMID: 27535533)